The following is an entry in ClinVar:

ClinVar aggregate classification (germline): Conflicting classifications of pathogenicity. Review status: criteria provided, conflicting classifications (1 of 4 stars). 3 submissions from 3 submitters: Uncertain significance (2); Likely benign (1). Last evaluated 2026-09-21.

Conditions:
Williams syndrome (WBS). Also called: WILLIAMS-BEUREN SYNDROME; CHROMOSOME 7q11.23 DELETION SYNDROME, 1.5- TO 1.8-MB. Identifiers: Orphanet 904, MedGen C0175702, MONDO:0008678, OMIM 194050. Disease mechanism: loss of function.
Supravalvar aortic stenosis (SVAS). Also called: Supravalvar aortic stenosis, Eisenberg type. Identifiers: Orphanet 3193, MedGen C0003499, MONDO:0008504, OMIM 185500, HP:0004381.
Cutis laxa, autosomal dominant 1 (ADCL1). Also called: ELN-Related Cutis Laxa. Identifiers: Orphanet 90348, MedGen C3276539, MONDO:0007411, OMIM 123700. Disease mechanism: Dominant Negative.

Allele frequency attached by ClinVar (database versions not stated): gnomAD exomes 0.00008 and 0.00005; TOPMed 0.00008; ExAC 0.00002; gnomAD 0.00005 and 0.00004.
gnomAD v4.1: 122 of 1,613,926 alleles (0.0076%); highest among the groups gnomAD compares: Non-Finnish European, 0.0098%; no homozygotes.

Submissions (3):

Molecular Diagnostic Laboratory for Inherited Cardiovascular Disease, Montreal Heart Institute
Classification: Likely benign. Last evaluated: 2026-09-21. Review status: criteria provided, single submitter. Criteria: ACMG Guidelines, 2015. Collection method: clinical testing. Allele origin: germline. Affected: no.
Comment: BS1;BP1

Labcorp Genetics (formerly Invitae), Labcorp
Classification: Uncertain significance for Supravalvar aortic stenosis. Last evaluated: 2026-01-28. Review status: criteria provided, single submitter. Criteria: Invitae Variant Classification Sherloc (09022015). Collection method: clinical testing. Allele origin: germline.
Comment: This sequence change replaces glycine, which is neutral and non-polar, with glutamic acid, which is acidic and polar, at codon 31 of the ELN protein (p.Gly31Glu). This variant is present in population databases (rs782625771, gnomAD 0.009%). This variant has not been reported in the literature in individuals affected with ELN-related conditions. ClinVar contains an entry for this variant (Variation ID: 213194). Invitae Evidence Modeling of protein sequence and biophysical properties (such as structural, functional, and spatial information, amino acid conservation, physicochemical variation, residue mobility, and thermodynamic stability) indicates that this missense variant is not expected to disrupt ELN protein function with a negative predictive value of 80%. In summary, the available evidence is currently insufficient to determine the role of this variant in disease. Therefore, it has been classified as a Variant of Uncertain Significance.

Baylor Genetics
Classification: Uncertain significance for Cutis laxa, autosomal dominant 1. Last evaluated: 2019-03-05. Review status: criteria provided, single submitter. Criteria: ACMG Guidelines, 2015. Collection method: clinical testing. Allele origin: maternal. Affected: yes.
Comment: This variant was determined to be of uncertain significance according to ACMG Guidelines, 2015 [PMID:25741868].

NM_000501.4(ELN):c.92G>A (p.Gly31Glu)

Gene: ELN (elastin; plus strand). Cytogenetic location: 7q11.23.
Variant type: single nucleotide variant.
Coding change: c.92G>A on transcript NM_000501.4 (MANE Select); coding-DNA position 92, G replaced by A.
Protein change: p.Gly31Glu; replaces glycine 31 with glutamic acid.
Molecular consequence: missense variant.
Genome position (GRCh38, 1-based): chr7:74,035,373, G>A. VCF-style: chr7-74035373-G-A. GRCh37 (hg19) VCF-style: chr7-73449703-G-A.
Other names: c.92G>A, p.Gly31Glu (NM_001081752.3, NM_001081753.3, NM_001081754.3 and 9 more transcripts); short protein forms G31E.
Identifiers: ClinVar variation 213194 (VCV000213194.12), dbSNP rs782625771, ClinGen allele CA325096.